The following is an entry in ClinVar:

ClinVar aggregate classification (germline): Uncertain significance (1 of 4 stars; one submission).

Allele frequency attached by ClinVar (database versions not stated): TOPMed 0.00001; gnomAD 0.00002 and 0.00003; gnomAD exomes 0.00002.

Submission:

Labcorp Genetics (formerly Invitae), Labcorp
Classification: Uncertain significance. Last evaluated: 2025-11-03. Review status: criteria provided, single submitter. Criteria: Invitae Variant Classification Sherloc (09022015). Collection method: clinical testing. Allele origin: germline.
Comment: This sequence change falls in intron 55 of the ADGRV1 gene. It does not directly change the encoded amino acid sequence of the ADGRV1 protein. It affects a nucleotide within the consensus splice site. This variant is present in population databases (no rsID available, gnomAD 0.03%). This variant has not been reported in the literature in individuals affected with ADGRV1-related conditions. ClinVar contains an entry for this variant (Variation ID: 1421020). Variants that disrupt the consensus splice site are a relatively common cause of aberrant splicing (PMID: 17576681, 9536098). Algorithms developed to predict the effect of sequence changes on RNA splicing suggest that this variant is not likely to affect RNA splicing. In summary, the available evidence is currently insufficient to determine the role of this variant in disease. Therefore, it has been classified as a Variant of Uncertain Significance.

Literature cited by the submitters: PubMed 17576681; PubMed 9536098.

NM_032119.4(ADGRV1):c.11581-3_11581-2insCA

Gene: ADGRV1 (adhesion G protein-coupled receptor V1; plus strand). Cytogenetic location: 5q14.3.
Variant type: Insertion.
Coding change: c.11581-3_11581-2insCA on transcript NM_032119.4 (MANE Select); 3 bases into the intron before coding-DNA position 11581 through the canonical splice acceptor site of the intron before coding-DNA position 11581, CA inserted.
Molecular consequence: splice acceptor variant.
Genome position: GRCh38 VCF-style: chr5-90756451-C-CCA. GRCh37 (hg19) VCF-style: chr5-90052268-C-CCA.
Identifiers: ClinVar variation 1421020 (VCV001421020.4), dbSNP rs1554105243, ClinGen allele CA560901166.